The following is an entry in ClinVar:

NM_001386140.1(MTTP):c.2578G>T (p.Glu860Ter)

Gene: MTTP (microsomal triglyceride transfer protein; plus strand). Cytogenetic location: 4q23.
Variant type: single nucleotide variant.
Coding change: c.2578G>T on transcript NM_001386140.1 (MANE Select); coding-DNA position 2578, G replaced by T.
Protein change: p.Glu860Ter; replaces glutamic acid 860 with a stop codon.
Molecular consequence: nonsense.
Genome position (GRCh38, 1-based): chr4:99,622,741, G>T. VCF-style: chr4-99622741-G-T. GRCh37 (hg19) VCF-style: chr4-100543898-G-T.
Other names: c.2578G>T, p.Glu860Ter (NM_000253.4); c.2329G>T, p.Glu777Ter (NM_001300785.2); short protein forms E777*, E860*.
Identifiers: ClinVar variation 1028157 (VCV001028157.1), dbSNP rs1726269709, ClinGen allele CA357520351.
Genomic context (GRCh38, chr4:99,622,741, plus strand): 5'-TTTGAGAAAAAGTACGAAAGGCTGTCCACAGGCAGAGGTTATGTCTCTCAGAAAAGAAAA[G>T]AAAGCGTATTAGCAGGATGTGAATTCCCGCTCCATCAAGAGAACTCAGAGATGTGCAAAG-3'

ClinVar aggregate classification (germline): Pathogenic (1 of 4 stars; one submission).

Conditions:
Abetalipoproteinaemia (ABL). Also called: Abetalipoproteinemia; Abetalipoproteinemia neuropathy; Apolipoprotein B deficiency; Congenital betalipoprotein deficiency syndrome; MTP DEFICIENCY. Identifiers: Orphanet 14, MedGen C0000744, MONDO:0008692, OMIM 200100, HP:0008181.

Submission:

Baylor Genetics
Classification: Pathogenic for Abetalipoproteinaemia. Last evaluated: 2020-02-06. Review status: criteria provided, single submitter. Criteria: ACMG Guidelines, 2015. Collection method: clinical testing. Allele origin: unknown. Affected: yes.
Comment: This variant was determined to be pathogenic according to ACMG Guidelines, 2015 [PMID:25741868].